The following is an entry in ClinVar:

NM_003803.4(MYOM1):c.494A>G (p.Tyr165Cys)

Gene: MYOM1 (myomesin 1; minus strand). Cytogenetic location: 18p11.31.
Variant type: single nucleotide variant.
Coding change: c.494A>G on transcript NM_003803.4 (MANE Select); coding-DNA position 494, A replaced by G.
Protein change: p.Tyr165Cys; replaces tyrosine 165 with cysteine.
Molecular consequence: missense variant.
Genome position (GRCh38, 1-based): chr18:3,189,025, T>C on the plus strand (A>G on the coding strand, the complement: MYOM1 is on the minus strand). VCF-style: chr18-3189025-T-C. GRCh37 (hg19) VCF-style: chr18-3189023-T-C.
Other names: c.494A>G, p.Tyr165Cys (NM_019856.2); short protein forms Y165C.
Identifiers: ClinVar variation 1498915 (VCV001498915.8), dbSNP rs775138562, ClinGen allele CA8875233.
Genomic context (GRCh38, chr18:3,189,025, plus strand): 5'-GTGGACTGTTTAGATGTTGTGATTCCTTCCTCACTAGCAAGAAGATTCCTCTGGGCTATA[T>C]AAGCAGCAGCTTCTTTAATTCTTTCTTCTTCCGTATCAGTAATTCCACTGACATGCTTTT-3'
Protein context (NP_003794.3, residues 155-175): EEERIKEAAA[Tyr165Cys]IAQRNLLASE

ClinVar aggregate classification (germline): Uncertain significance (1 of 4 stars; one submission).

Conditions:
Hypertrophic cardiomyopathy. Also called: HYPERTROPHIC MYOCARDIOPATHY. Identifiers: Orphanet 217569, MedGen C0007194, MeSH D002312, MONDO:0005045, HP:0001639.

Allele frequency attached by ClinVar (database versions not stated): ExAC 0.00001; gnomAD exomes 0.00001.
gnomAD v4.1: 9 of 1,613,768 alleles (0.00056%); highest among the groups gnomAD compares: Non-Finnish European, 0.00076%; no homozygotes.

Submission:

Labcorp Genetics (formerly Invitae), Labcorp
Classification: Uncertain significance for Hypertrophic cardiomyopathy. Last evaluated: 2025-08-17. Review status: criteria provided, single submitter. Criteria: Invitae Variant Classification Sherloc (09022015). Collection method: clinical testing. Allele origin: germline.
Comment: This sequence change replaces tyrosine, which is neutral and polar, with cysteine, which is neutral and slightly polar, at codon 165 of the MYOM1 protein (p.Tyr165Cys). This variant is present in population databases (rs775138562, gnomAD 0.002%). This variant has not been reported in the literature in individuals affected with MYOM1-related conditions. ClinVar contains an entry for this variant (Variation ID: 1498915). An algorithm developed to predict the effect of missense changes on protein structure and function (PolyPhen-2) suggests that this variant is likely to be tolerated. In summary, the available evidence is currently insufficient to determine the role of this variant in disease. Therefore, it has been classified as a Variant of Uncertain Significance.